The following is an entry in ClinVar:

ClinVar aggregate classification (germline): Uncertain significance (1 of 4 stars; one submission).

Conditions:
ADNP-related multiple congenital anomalies - intellectual disability - autism spectrum disorder. Also called: ADNP-Related Helsmoortel-Van der Aa Syndrome; Helsmoortel-Van der Aa Syndrome. Identifiers: Orphanet 404448, MedGen C4014538, MONDO:0014379, OMIM 615873. Disease mechanism: loss of function.

Allele frequency attached by ClinVar (database versions not stated): gnomAD exomes below 0.00001; TOPMed below 0.00001; gnomAD 0.00003.
gnomAD v4.1: 1 of 1,614,252 alleles (0.000062%); highest among the groups gnomAD compares: Non-Finnish European, 0.000085%; no homozygotes.

Submission:

GeneDx
Classification: Uncertain significance. Last evaluated: 2017-05-16. Review status: criteria provided, single submitter. Criteria: GeneDx Variant Classification (06012015). Collection method: clinical testing. Allele origin: germline. Affected: yes.
Comment: The V619F variant in the ADNP gene has not been reported previously as a pathogenic variant, nor as a benign variant, to our knowledge. The V619F variant is not observed in large population cohorts (Lek et al., 2016; 1000 Genomes Consortium et al., 2015; Exome Variant Server). The V619F variant is a semi-conservative amino acid substitution, which may impact secondary protein structure as these residues differ in some properties. This substitution occurs at a position where amino acids with similar properties to Valine are tolerated across species. In silico analysis is inconsistent in its predictions as to whether or not the variant is damaging to the protein structure/function. We interpret V619F as a variant of uncertain significance.

NM_001282531.3(ADNP):c.1855G>T (p.Val619Phe)

Gene: ADNP (activity dependent neuroprotector homeobox; minus strand). Cytogenetic location: 20q13.13.
Variant type: single nucleotide variant.
Coding change: c.1855G>T on transcript NM_001282531.3 (MANE Select); coding-DNA position 1855, G replaced by T.
Protein change: p.Val619Phe; replaces valine 619 with phenylalanine.
Molecular consequence: missense variant.
Genome position (GRCh38, 1-based): chr20:50,892,859, C>A on the plus strand (G>T on the coding strand, the complement: ADNP is on the minus strand). VCF-style: chr20-50892859-C-A. GRCh37 (hg19) VCF-style: chr20-49509396-C-A.
Other names: c.1855G>T, p.Val619Phe (NM_001282532.2, NM_001347511.2, NM_015339.5 and 1 more transcripts); short protein forms V619F.
Identifiers: ClinVar variation 386594 (VCV000386594.4), dbSNP rs1057522545, ClinGen allele CA16608475.
Genomic context (GRCh38, chr20:50,892,859, plus strand): 5'-GTGCATCAGATATGGGTCCTTTTAGGATTGAAAAGCAAAGAGGACAAAGGGTTTTCCCAA[C>A]ATCTTTTTTATAGGGCACTGCAGCTTGAGGTGAACTTTTTACAGGGATATCTGCCTTTTC-3'
Protein context (NP_001269460.1, residues 609-629): PQAAVPYKKD[Val619Phe]GKTLCPLCFS